The following is an entry in ClinVar:

NM_024422.6(DSC2):c.1888+1G>C

Gene: DSC2 (desmocollin 2; minus strand). Cytogenetic location: 18q12.1.
Variant type: single nucleotide variant.
Coding change: c.1888+1G>C on transcript NM_024422.6 (MANE Select); the canonical splice donor site of the intron after coding-DNA position 1888, G replaced by C.
Molecular consequence: splice donor variant.
Genome position (GRCh38, 1-based): chr18:31,074,682, C>G on the plus strand (G>C on the coding strand, the complement: DSC2 is on the minus strand). VCF-style: chr18-31074682-C-G. GRCh37 (hg19) VCF-style: chr18-28654648-C-G.
Other names: c.1888+1G>C (NM_004949.5); c.1459+1G>C (NM_001406506.1, NM_001406507.1).
Identifiers: ClinVar variation 872390 (VCV000872390.47), dbSNP rs1986950096, ClinGen allele CA402113667.

ClinVar aggregate classification (germline): Conflicting classifications of pathogenicity. Review status: criteria provided, conflicting classifications (1 of 4 stars). 3 submissions from 3 submitters: Likely pathogenic (2); Uncertain significance (1). Last evaluated 2023-03-23.

Conditions:
Cardiomyopathy (CMYO). Also called: Cardiomyopathies. Identifiers: Orphanet 167848, MedGen C0878544, MONDO:0004994, HP:0001638. Inheritance: Various modes of inheritance.
Arrhythmogenic right ventricular dysplasia 11. Also called: ARRHYTHMOGENIC RIGHT VENTRICULAR DYSPLASIA, FAMILIAL, 11; Arrhythmogenic Right Ventricular Dysplasia/Cardiomyopathy11; Arrhythmogenic right ventricular dysplasia 11 with mild palmoplantar keratoderma and woolly hair. Identifiers: MedGen C1864850, MONDO:0012506, OMIM 610476.

Submissions (3):

Labcorp Genetics (formerly Invitae), Labcorp
Classification: Likely pathogenic for Arrhythmogenic right ventricular dysplasia 11. Last evaluated: 2023-03-23. Review status: criteria provided, single submitter. Criteria: Invitae Variant Classification Sherloc (09022015). Collection method: clinical testing. Allele origin: germline.
Comment: This sequence change affects a donor splice site in intron 12 of the DSC2 gene. It is expected to disrupt RNA splicing. Variants that disrupt the donor or acceptor splice site typically lead to a loss of protein function (PMID: 16199547), and loss-of-function variants in DSC2 are known to be pathogenic (PMID: 23911551). This variant is not present in population databases (gnomAD no frequency). This variant has not been reported in the literature in individuals affected with DSC2-related conditions. ClinVar contains an entry for this variant (Variation ID: 872390). Algorithms developed to predict the effect of sequence changes on RNA splicing suggest that this variant may disrupt the consensus splice site. In summary, the currently available evidence indicates that the variant is pathogenic, but additional data are needed to prove that conclusively. Therefore, this variant has been classified as Likely Pathogenic.

Color Diagnostics, LLC DBA Color Health
Classification: Uncertain significance for Cardiomyopathy. Last evaluated: 2021-01-19. Review status: criteria provided, single submitter. Criteria: ACMG Guidelines, 2015. Collection method: clinical testing. Allele origin: germline.
Comment: This variant causes a G to C nucleotide substitution at the +1 position of intron 12 of the DSC2 gene. Splice site prediction tools predict that this variant may have a significant impact on RNA splicing. Although this prediction has not been confirmed in published RNA studies, this variant is expected to result in an absent or disrupted protein product. To our knowledge, functional studies have not been reported for this variant. This variant has not been reported in individuals affected with cardiovascular disorders in the literature. This variant has not been identified in the general population by the Genome Aggregation Database (gnomAD). This variant has not been identified in the general population by the Genome Aggregation Database (gnomAD). Although there is a suspicion for a pathogenic role, clinical relevance of loss-of-function DSC2 truncation and splice variants in autosomal dominant arrhythmogenic cardiomyopathy is not yet clearly established. The available evidence is insufficient to determine the role of this variant in disease conclusively. Therefore, this variant is classified as a Variant of Uncertain Significance.

CeGaT Center for Human Genetics Tuebingen
Classification: Likely pathogenic. Last evaluated: 2019-07-01. Review status: criteria provided, single submitter. Criteria: CeGaT Center For Human Genetics Tuebingen Variant Classification Criteria Version 2. Collection method: clinical testing. Allele origin: germline. Affected: yes. Observed: 1 variant allele.

Literature cited by the submitters: PubMed 16199547 (cited by Labcorp Genetics (formerly Invitae), Labcorp); PubMed 23911551 (cited by Labcorp Genetics (formerly Invitae), Labcorp).